The following is an entry in ClinVar:

NM_173598.6(KSR2):c.770C>T (p.Ala257Val)

Gene: KSR2 (kinase suppressor of ras 2; minus strand). Cytogenetic location: 12q24.23.
Variant type: single nucleotide variant.
Coding change: c.770C>T on transcript NM_173598.6 (MANE Select); coding-DNA position 770, C replaced by T.
Protein change: p.Ala257Val; replaces alanine 257 with valine.
Molecular consequence: missense variant.
Genome position (GRCh38, 1-based): chr12:117,761,227, G>A on the plus strand (C>T on the coding strand, the complement: KSR2 is on the minus strand). VCF-style: chr12-117761227-G-A. GRCh37 (hg19) VCF-style: chr12-118199032-G-A.
Other names: short protein forms A257V.
Identifiers: ClinVar variation 4994887 (VCV004994887.1).

ClinVar aggregate classification (germline): Uncertain significance (1 of 4 stars; one submission).

Conditions:
KSR2-related disorder. Also called: KSR2-related condition.

gnomAD v4.1: 7 of 1,545,978 alleles (0.00045%); highest among the groups gnomAD compares: East Asian, 0.0023%; no homozygotes.

Submission:

PreventionGenetics, part of Exact Sciences
Classification: Uncertain significance for KSR2-related condition. Last evaluated: 2025-11-11. Review status: criteria provided, single submitter. Criteria: ACMG Guidelines, 2015. Collection method: clinical testing. Allele origin: germline.
Comment: The KSR2 c.683C>T variant is predicted to result in the amino acid substitution p.Ala228Val. To our knowledge, this variant has not been reported in the literature. This variant is reported in 0.0056% of alleles in individuals of European (Finnish) descent in gnomAD. At this time, the clinical significance of this variant is uncertain due to the absence of conclusive functional and genetic evidence.